The following is an entry in ClinVar:

ClinVar aggregate classification (germline): Uncertain significance (1 of 4 stars; one submission).

Conditions:
Inborn genetic diseases. Identifiers: MedGen C0950123, MeSH D030342.

Submission:

Ambry Genetics
Classification: Uncertain significance for Inborn genetic diseases. Last evaluated: 2024-06-14. Review status: criteria provided, single submitter. Criteria: Ambry Variant Classification Scheme 2023. Collection method: clinical testing. Allele origin: germline.
Comment: The p.A535V variant (also known as c.1604C>T), located in coding exon 12 of the ACD gene, results from a C to T substitution at nucleotide position 1604. The alanine at codon 535 is replaced by valine, an amino acid with similar properties. This amino acid position is conserved. In addition, this alteration is predicted to be tolerated by in silico analysis. Based on the available evidence, the clinical significance of this variant remains unclear.

NM_001082486.2(ACD):c.1346C>T (p.Ala449Val)

Gene: ACD (ACD shelterin complex subunit and telomerase recruitment factor; minus strand). Cytogenetic location: 16q22.1.
Variant type: single nucleotide variant.
Coding change: c.1346C>T on transcript NM_001082486.2 (MANE Select); coding-DNA position 1346, C replaced by T.
Protein change: p.Ala449Val; replaces alanine 449 with valine.
Molecular consequence: missense variant.
Genome position (GRCh38, 1-based): chr16:67,657,637, G>A on the plus strand (C>T on the coding strand, the complement: ACD is on the minus strand). VCF-style: chr16-67657637-G-A. GRCh37 (hg19) VCF-style: chr16-67691540-G-A.
Other names: c.1259C>T, p.Ala420Val (NM_001410884.1); c.1337C>T, p.Ala446Val (NM_022914.3); short protein forms A446V, A420V, A449V.
Identifiers: ClinVar variation 3261460 (VCV003261460.1).